The following is an entry in ClinVar:

ClinVar aggregate classification (germline): Likely pathogenic (1 of 4 stars; one submission).

Conditions:
Marfan syndrome (MFS). Also called: Marfan syndrome type 1; Marfan's syndrome; Marfan syndrome, classic; MARFAN SYNDROME, TYPE I; FBN1-Related Marfan Syndrome. Identifiers: Orphanet 284963, Orphanet 558, MedGen C0024796, MONDO:0007947, OMIM 154700.

Submission:

Human Genome Sequencing Center Clinical Lab, Baylor College of Medicine
Classification: Likely pathogenic for Marfan syndrome. Last evaluated: 2020-09-23. Review status: criteria provided, single submitter. Criteria: ACMG Guidelines, 2015. Collection method: clinical testing. Allele origin: germline.
Comment: This c.1462T>G (p.Cys488Gly) variant affects a cysteine amino acid in an EGF-like domain of the FBN1 protein. It is not present in the gnomAD population database and is predicted to be deleterious by multiple in silico algorithms. Other variants affecting the same codon (p.Cys488Arg, p.Cys488Phe, p.Cys488Tyr) have been reported in individuals with Marfan syndrome and are considered pathogenic (PMID: 18435798, 15241795, 24161884). Therefore, the c.1462T>G (p.Cys488Gly) variant in the FBN1 gene is classified as likely pathogenic.

NM_000138.5(FBN1):c.1462T>G (p.Cys488Gly)

Gene: FBN1 (fibrillin 1; minus strand). Cytogenetic location: 15q21.1.
Variant type: single nucleotide variant.
Coding change: c.1462T>G on transcript NM_000138.5 (MANE Select); coding-DNA position 1462, T replaced by G.
Protein change: p.Cys488Gly; replaces cysteine 488 with glycine.
Molecular consequence: missense variant.
Genome position (GRCh38, 1-based): chr15:48,515,393, A>C on the plus strand (T>G on the coding strand, the complement: FBN1 is on the minus strand). VCF-style: chr15-48515393-A-C. GRCh37 (hg19) VCF-style: chr15-48807590-A-C.
Other names: short protein forms C488G.
Identifiers: ClinVar variation 1180492 (VCV001180492.1), dbSNP rs1555400373, ClinGen allele CA392343561.